The following is an entry in ClinVar:

NM_000256.3(MYBPC3):c.1226+6T>C

Gene: MYBPC3 (myosin binding protein C3; minus strand). Cytogenetic location: 11p11.2.
Variant type: single nucleotide variant.
Coding change: c.1226+6T>C on transcript NM_000256.3 (MANE Select); 6 bases into the intron after coding-DNA position 1226, T replaced by C.
Molecular consequence: intron variant.
Genome position (GRCh38, 1-based): chr11:47,343,254, A>G on the plus strand (T>C on the coding strand, the complement: MYBPC3 is on the minus strand). VCF-style: chr11-47343254-A-G. GRCh37 (hg19) VCF-style: chr11-47364805-A-G.
Identifiers: ClinVar variation 42512 (VCV000042512.21), dbSNP rs397515892, ClinGen allele CA009941.
Genomic context (GRCh38, chr11:47,343,254, plus strand): 5'-CGGGCCCAGTGCGCCCCATGATAATCCCTGTGCCCCCCACCCCAAGCCATCCAGAGGGGA[A>G]CTTACTTGCTGTAGAACAGAAGGGGCCGTTGAAGTGTTCCCGACGGGAGGAAGTGAGCCC-3'

ClinVar aggregate classification (germline): Conflicting classifications of pathogenicity. Review status: criteria provided, conflicting classifications (1 of 4 stars). 9 submissions from 9 submitters: Uncertain significance (4); Benign (1); Likely benign (4). Last evaluated 2026-09-01.

Conditions:
MYBPC3-related disorder. Also called: MYBPC3-related disorders; MYBPC3-related condition; MYBPC3-related disease.
Cardiovascular phenotype. Identifiers: MedGen CN230736.
Cardiomyopathy (CMYO). Also called: Cardiomyopathies. Identifiers: Orphanet 167848, MedGen C0878544, MONDO:0004994, HP:0001638. Inheritance: Various modes of inheritance.
Hypertrophic cardiomyopathy. Also called: HYPERTROPHIC MYOCARDIOPATHY. Identifiers: Orphanet 217569, MedGen C0007194, MeSH D002312, MONDO:0005045, HP:0001639.

Allele frequency attached by ClinVar (database versions not stated): gnomAD exomes 0.00009 and 0.00010; 1000 Genomes Project 0.00020; ExAC 0.00006; 1000 Genomes Project 30x 0.00031; TOPMed 0.00010; gnomAD 0.00015.
gnomAD v4.1: 156 of 1,566,088 alleles (0.01%); highest among the groups gnomAD compares: Admixed American, 0.053%; no homozygotes.

Submissions (9):

CeGaT Center for Human Genetics Tuebingen
Classification: Likely benign. Last evaluated: 2026-09-01. Review status: criteria provided, single submitter. Criteria: CeGaT Center For Human Genetics Tuebingen Variant Classification Criteria Version 2. Collection method: clinical testing. Allele origin: germline. Affected: yes. Observed: 1 variant allele.
Comment: MYBPC3: BP4, BS1

PreventionGenetics, part of Exact Sciences
Classification: Likely benign for MYBPC3-related condition. Last evaluated: 2026-07-14. Review status: criteria provided, single submitter. Criteria: ACMG Guidelines, 2015. Collection method: clinical testing. Allele origin: germline.
Comment: This variant is classified as likely benign based on ACMG/AMP sequence variant interpretation guidelines (Richards et al. 2015 PMID: 25741868, with internal and published modifications).

Women's Health and Genetics/Laboratory Corporation of America, LabCorp
Classification: Benign. Last evaluated: 2025-04-29. Review status: criteria provided, single submitter. Criteria: LabCorp Variant Classification Summary - May 2015. Collection method: clinical testing. Allele origin: germline.
Comment: Variant summary: MYBPC3 c.1226+6T>C alters a conserved nucleotide located close to a canonical splice site and therefore could affect mRNA splicing, leading to a significantly altered protein sequence. Several computational tools predict a significant impact on normal splicing: Two predict the variant no significant impact on splicing. Two predict the variant weakens a 5' donor site. However, these predictions have yet to be confirmed by functional studies. The variant allele was found at a frequency of 0.0001 in 210138 control chromosomes. The observed variant frequency is approximately 3 fold of the estimated maximal expected allele frequency for a pathogenic variant in MYBPC3 causing Dilated Cardiomyopathy phenotype (3.1e-05). c.1226+6T>C has been observed in individuals affected with left ventricular noncompaction or sudden unexplained death (Ito_2017, Coll_2022). These reports do not provide unequivocal conclusions about association of the variant with Dilated Cardiomyopathy. To our knowledge, no experimental evidence demonstrating an impact on protein function has been reported. The following publications have been ascertained in the context of this evaluation (PMID: 36293497, 28679633, 31179125). ClinVar contains an entry for this variant (Variation ID: 42512). Based on the evidence outlined above, the variant was classified as benign.

Molecular Diagnostic Laboratory for Inherited Cardiovascular Disease, Montreal Heart Institute
Classification: Uncertain significance for Cardiovascular phenotype. Last evaluated: 2025-04-09. Review status: criteria provided, single submitter. Criteria: ACMG Guidelines, 2015. Collection method: clinical testing. Allele origin: germline. Affected: yes.

Labcorp Genetics (formerly Invitae), Labcorp
Classification: Uncertain significance for Hypertrophic cardiomyopathy. Last evaluated: 2025-01-22. Review status: criteria provided, single submitter. Criteria: Invitae Variant Classification Sherloc (09022015). Collection method: clinical testing. Allele origin: germline.
Comment: This sequence change falls in intron 14 of the MYBPC3 gene. It does not directly change the encoded amino acid sequence of the MYBPC3 protein. It affects a nucleotide within the consensus splice site. This variant is present in population databases (rs397515892, gnomAD 0.04%), and has an allele count higher than expected for a pathogenic variant. This variant has been observed in individual(s) with dilated cardiomyopathy (PMID: 30871747). ClinVar contains an entry for this variant (Variation ID: 42512). Variants that disrupt the consensus splice site are a relatively common cause of aberrant splicing (PMID: 17576681, 9536098). Studies have shown that this variant does not affect mRNA splicing (PMID: 28679633). In summary, the available evidence is currently insufficient to determine the role of this variant in disease. Therefore, it has been classified as a Variant of Uncertain Significance.

Color Diagnostics, LLC DBA Color Health
Classification: Likely benign for Cardiomyopathy. Last evaluated: 2024-03-04. Review status: criteria provided, single submitter. Criteria: ACMG Guidelines, 2015. Collection method: clinical testing. Allele origin: germline.

All of Us Research Program, National Institutes of Health
Classification: Uncertain significance for Hypertrophic cardiomyopathy. Last evaluated: 2023-11-30. Review status: criteria provided, single submitter. Criteria: ACMG Guidelines, 2015. Collection method: clinical testing. Allele origin: germline. Inheritance: Autosomal dominant inheritance. Observed: 16 variant alleles, 16 heterozygotes.
Comment: This variant causes a T>C nucleotide substitution at the +6 position of intron 14 of the MYBPC3 gene. Splice site prediction tools and conservation analysis are inconclusive regarding the impact of this variant on RNA splicing. To our knowledge, functional studies have not been reported for this variant. This variant has been reported in an individual affected with dilated cardiomyopathy (PMID: 30871747, 31179125) and in a case of sudden cardiac death (PMID: 36293497). This variant has been identified in 23/241524 chromosomes in the general population by the Genome Aggregation Database (gnomAD). The available evidence is insufficient to determine the role of this variant in disease conclusively. Therefore, this variant is classified as a Variant of Uncertain Significance.

This study involves interpretation of variants in research participants for the purpose of population health screening. Participant phenotype was not available at the time of variant classification. Additional details can be found in publication PMID: 35346344, PMCID: PMC8962531

GeneDx
Classification: Likely benign. Last evaluated: 2021-05-11. Review status: criteria provided, single submitter. Criteria: GeneDx Variant Classification Process June 2021. Collection method: clinical testing. Allele origin: germline. Affected: yes.
Comment: This variant is associated with the following publications: (PMID: 28679633, 30871747)

Laboratory for Molecular Medicine, Mass General Brigham Personalized Medicine
Classification: Uncertain significance. Last evaluated: 2010-03-16. Review status: criteria provided, single submitter. Criteria: LMM Criteria. Collection method: clinical testing. Allele origin: germline. Observed: 2 variant alleles.

Literature cited by the submitters: PubMed 28679633 (cited by Women's Health and Genetics/Laboratory Corporation of America, LabCorp and Labcorp Genetics (formerly Invitae), Labcorp); PubMed 36293497 (cited by Women's Health and Genetics/Laboratory Corporation of America, LabCorp and All of Us Research Program, National Institutes of Health); PubMed 31179125 (cited by Women's Health and Genetics/Laboratory Corporation of America, LabCorp and All of Us Research Program, National Institutes of Health); PubMed 30871747 (cited by Labcorp Genetics (formerly Invitae), Labcorp and All of Us Research Program, National Institutes of Health); PubMed 17576681 (cited by Labcorp Genetics (formerly Invitae), Labcorp); PubMed 9536098 (cited by Labcorp Genetics (formerly Invitae), Labcorp).